The following is an entry in ClinVar:

ClinVar aggregate classification (germline): Uncertain significance. Review status: criteria provided, multiple submitters, no conflicts (2 of 4 stars). 2 submissions from 2 submitters: Uncertain significance (2). Last evaluated 2022-12-19.

Allele frequency attached by ClinVar (database versions not stated): ExAC 0.00001; gnomAD 0.00002; gnomAD exomes 0.00002; TOPMed 0.00002.
gnomAD v4.1: 25 of 1,609,908 alleles (0.0016%); highest among the groups gnomAD compares: Non-Finnish European, 0.002%; no homozygotes.

Submissions (2):

Illumina Laboratory Services, Illumina
Classification: Uncertain significance. Last evaluated: 2022-12-19. Review status: criteria provided, single submitter. Criteria: ICSL CNVClassificationCriteria Aug2020. Collection method: clinical testing. Allele origin: unknown. Affected: yes.
Comment: The TBCD c.227C>T (p.Pro76Leu) missense variant results in the substitution of proline at amino acid position 76 with leucine. To our knowledge, this variant has not been reported in the peer-reviewed literature. This variant is reported in the Genome Aggregation Database in three alleles at a frequency of 0.00004 in the European (non-Finnish) population (version 3.1.2). Based on the available evidence, the c.227C>T (p.Pro76Leu) variant is classified as a variant of uncertain significance for early-onset progressive encephalopathy with brain atrophy and thin corpus callosum.

Blueprint Genetics
Classification: Uncertain significance. Last evaluated: 2021-03-26. Review status: criteria provided, single submitter. Criteria: ACMG Guidelines, 2015. Collection method: clinical testing. Allele origin: germline.

NM_005993.5(TBCD):c.227C>T (p.Pro76Leu)

Gene: TBCD (tubulin folding cofactor D). Cytogenetic location: 17q25.3.
Variant type: single nucleotide variant.
Coding change: c.227C>T on transcript NM_005993.5 (MANE Select); coding-DNA position 227, C replaced by T.
Protein change: p.Pro76Leu; replaces proline 76 with leucine.
Molecular consequence: missense variant.
Genome position (GRCh38, 1-based): chr17:82,756,207, C>T. VCF-style: chr17-82756207-C-T. GRCh37 (hg19) VCF-style: chr17-80714083-C-T.
Other names: c.227C>T, p.Pro76Leu (NM_001411102.1); short protein forms P76L.
Identifiers: ClinVar variation 2429433 (VCV002429433.4), dbSNP rs778788163, ClinGen allele CA8861531.